The following is an entry in ClinVar:

ClinVar aggregate classification (germline): Uncertain significance (1 of 4 stars; one submission).

Conditions:
Isolated microphthalmia 5. Also called: Posterior Microphthalmia with Retinitis Pigmentosa, Foveoschisis, and Optic Disc Drusen. Identifiers: Orphanet 251279, MedGen C1970236, MONDO:0012605, OMIM 611040.

Submission:

Labcorp Genetics (formerly Invitae), Labcorp
Classification: Uncertain significance for Isolated microphthalmia 5. Last evaluated: 2020-11-24. Review status: criteria provided, single submitter. Criteria: Invitae Variant Classification Sherloc (09022015). Collection method: clinical testing. Allele origin: germline.
Comment: This sequence change replaces alanine with valine at codon 261 of the MFRP protein (p.Ala261Val). The alanine residue is moderately conserved and there is a small physicochemical difference between alanine and valine. This variant is not present in population databases (ExAC no frequency). This variant has not been reported in the literature in individuals with MFRP-related conditions. ClinVar contains an entry for this variant (Variation ID: 858214). Algorithms developed to predict the effect of missense changes on protein structure and function are either unavailable or do not agree on the potential impact of this missense change (SIFT: "Deleterious"; PolyPhen-2: "Possibly Damaging"; Align-GVGD: "Class C0"). In summary, the available evidence is currently insufficient to determine the role of this variant in disease. Therefore, it has been classified as a Variant of Uncertain Significance.

NM_031433.4(MFRP):c.782C>T (p.Ala261Val)

Genes: C1QTNF5 (C1q and TNF related 5; minus strand), MFRP (membrane frizzled-related protein; minus strand). Cytogenetic location: 11q23.3.
Variant type: single nucleotide variant.
Coding change: c.782C>T on transcript NM_031433.4 (MANE Select); coding-DNA position 782, C replaced by T.
Protein change: p.Ala261Val; replaces alanine 261 with valine.
Molecular consequence: missense variant. On other transcripts: 5 prime UTR variant (1).
Genome position (GRCh38, 1-based): chr11:119,344,748, G>A on the plus strand (C>T on the coding strand, the complement: MFRP is on the minus strand). VCF-style: chr11-119344748-G-A. GRCh37 (hg19) VCF-style: chr11-119215458-G-A.
Other names: c.-1855C>T (NM_015645.5); short protein forms A261V.
Identifiers: ClinVar variation 858214 (VCV000858214.10), dbSNP rs1950542166, ClinGen allele CA382976916.
Genomic context (GRCh38, chr11:119,344,748, plus strand): 5'-CCATCACACACTGAGTCAGGTAGCAGGCAGATGAGCTGGTCACAGCGGAACTCATCATGG[G>A]CACAGCTCCCTGGATGTGGGCACCAGGAGTCAGGGAGGCCCGGAGTCTCCACCCCTTTGA-3'
Protein context (NP_113621.1, residues 251-271): QAMAPGRGSC[Ala261Val]HDEFRCDQLI